The following is an entry in ClinVar:

ClinVar aggregate classification (germline): Uncertain significance. Review status: criteria provided, multiple submitters, no conflicts (2 of 4 stars). 2 submissions from 2 submitters: Uncertain significance (2). Last evaluated 2024-06-21.

Submissions (2):

GeneDx
Classification: Uncertain significance. Last evaluated: 2024-06-21. Review status: criteria provided, single submitter. Criteria: GeneDx Variant Classification Process June 2021. Collection method: clinical testing. Allele origin: germline. Affected: yes.
Comment: Not observed at significant frequency in large population cohorts (gnomAD); In silico analysis indicates that this missense variant does not alter protein structure/function; Has not been previously published as pathogenic or benign to our knowledge

Labcorp Genetics (formerly Invitae), Labcorp
Classification: Uncertain significance. Last evaluated: 2022-03-21. Review status: criteria provided, single submitter. Criteria: Invitae Variant Classification Sherloc (09022015). Collection method: clinical testing. Allele origin: germline.
Comment: Algorithms developed to predict the effect of missense changes on protein structure and function are either unavailable or do not agree on the potential impact of this missense change (SIFT: "Deleterious"; PolyPhen-2: "Not Available"; Align-GVGD: "Class C65"). This missense change has been observed in individual(s) with CDH23-related conditions (Invitae). This variant is not present in population databases (gnomAD no frequency). This sequence change replaces proline, which is neutral and non-polar, with leucine, which is neutral and non-polar, at codon 2481 of the CDH23 protein (p.Pro2481Leu). In summary, the available evidence is currently insufficient to determine the role of this variant in disease. Therefore, it has been classified as a Variant of Uncertain Significance.

NM_022124.6(CDH23):c.7442C>T (p.Pro2481Leu)

Gene: CDH23 (cadherin related 23; plus strand). Cytogenetic location: 10q22.1.
Variant type: single nucleotide variant.
Coding change: c.7442C>T on transcript NM_022124.6 (MANE Select); coding-DNA position 7442, C replaced by T.
Protein change: p.Pro2481Leu; replaces proline 2481 with leucine.
Molecular consequence: missense variant.
Genome position (GRCh38, 1-based): chr10:71,800,715, C>T. VCF-style: chr10-71800715-C-T. GRCh37 (hg19) VCF-style: chr10-73560472-C-T.
Other names: c.7442C>T (NM_022124.5); c.722C>T, p.Pro241Leu (NM_001171933.1, NM_001171934.1); short protein forms P2481L, P241L.
Identifiers: ClinVar variation 2075897 (VCV002075897.5), dbSNP rs397517351, ClinGen allele CA377159970.
Genomic context (GRCh38, chr10:71,800,715, plus strand): 5'-CTTCTCTGGACCGGGAGAAGAAGGACCACTATATCCTGACTGCCTTGGCCAAAGACAACC[C>T]TGGGGATGTAGCCAGCAACCGTCGCGAAAATTCAGTGCAGGTGAGGGGTGCCAACCTGGG-3'
Protein context (NP_071407.4, residues 2471-2491): YILTALAKDN[Pro2481Leu]GDVASNRREN